The following is an entry in ClinVar:

NM_032776.3(JMJD1C):c.1738A>G (p.Thr580Ala)

Gene: JMJD1C (jumonji domain containing 1C; minus strand). Cytogenetic location: 10q21.3.
Variant type: single nucleotide variant.
Coding change: c.1738A>G on transcript NM_032776.3 (MANE Select); coding-DNA position 1738, A replaced by G.
Protein change: p.Thr580Ala; replaces threonine 580 with alanine.
Molecular consequence: missense variant. On other transcripts: non-coding transcript variant (1).
Genome position (GRCh38, 1-based): chr10:63,214,429, T>C on the plus strand (A>G on the coding strand, the complement: JMJD1C is on the minus strand). VCF-style: chr10-63214429-T-C. GRCh37 (hg19) VCF-style: chr10-64974189-T-C.
Other names: c.1738A>G (NM_032776.1); c.1192A>G, p.Thr398Ala (NM_001282948.2, NM_001318154.2); c.874A>G, p.Thr292Ala (NM_001318153.2); c.1624A>G, p.Thr542Ala (NM_001322252.2); c.1081A>G, p.Thr361Ala (NM_001322254.2, NM_001322258.2); short protein forms T398A, T292A, T361A, T542A, T580A.
Identifiers: ClinVar variation 1413860 (VCV001413860.16), dbSNP rs529610837, ClinGen allele CA5518755.

ClinVar aggregate classification (germline): Conflicting classifications of pathogenicity. Review status: criteria provided, conflicting classifications (1 of 4 stars). 3 submissions from 3 submitters: Uncertain significance (2); Likely benign (1). Last evaluated 2025-08-01.

Conditions:
Early Myoclonic Encephalopathy. Identifiers: MedGen C0270855.

Allele frequency attached by ClinVar (database versions not stated): gnomAD exomes 0.00001; TOPMed 0.00002; ExAC 0.00003; gnomAD 0.00003; 1000 Genomes Project 30x 0.00016; 1000 Genomes Project 0.00020.
gnomAD v4.1: 17 of 1,613,880 alleles (0.0011%); highest among the groups gnomAD compares: Admixed American, 0.0067%; no homozygotes.

Submissions (3):

Ambry Genetics
Classification: Uncertain significance. Last evaluated: 2025-08-01. Review status: criteria provided, single submitter. Criteria: Ambry Variant Classification Scheme 2023. Collection method: clinical testing. Allele origin: germline.

CeGaT Center for Human Genetics Tuebingen
Classification: Likely benign. Last evaluated: 2025-04-01. Review status: criteria provided, single submitter. Criteria: CeGaT Center For Human Genetics Tuebingen Variant Classification Criteria Version 2. Collection method: clinical testing. Allele origin: germline. Affected: yes. Observed: 1 variant allele.
Comment: JMJD1C: BP4

Labcorp Genetics (formerly Invitae), Labcorp
Classification: Uncertain significance for Early Myoclonic Encephalopathy. Last evaluated: 2022-02-01. Review status: criteria provided, single submitter. Criteria: Invitae Variant Classification Sherloc (09022015). Collection method: clinical testing. Allele origin: germline.
Comment: This sequence change replaces threonine, which is neutral and polar, with alanine, which is neutral and non-polar, at codon 580 of the JMJD1C protein (p.Thr580Ala). This variant is present in population databases (rs529610837, gnomAD 0.003%). This variant has not been reported in the literature in individuals affected with JMJD1C-related conditions. Algorithms developed to predict the effect of missense changes on protein structure and function (SIFT, PolyPhen-2, Align-GVGD) all suggest that this variant is likely to be tolerated. In summary, the available evidence is currently insufficient to determine the role of this variant in disease. Therefore, it has been classified as a Variant of Uncertain Significance.